The following is an entry in ClinVar:

NM_014946.4(SPAST):c.1456A>G (p.Thr486Ala)

Gene: SPAST (spastin; plus strand). Cytogenetic location: 2p22.3.
Variant type: single nucleotide variant.
Coding change: c.1456A>G on transcript NM_014946.4 (MANE Select); coding-DNA position 1456, A replaced by G.
Protein change: p.Thr486Ala; replaces threonine 486 with alanine.
Molecular consequence: missense variant.
Genome position (GRCh38, 1-based): chr2:32,137,151, A>G. VCF-style: chr2-32137151-A-G. GRCh37 (hg19) VCF-style: chr2-32362220-A-G.
Other names: c.1453A>G, p.Thr485Ala (NM_001363823.2); c.1357A>G, p.Thr453Ala (NM_001363875.2); c.1360A>G, p.Thr454Ala (NM_001377959.1, NM_199436.2); short protein forms T486A, T453A, T454A, T485A.
Identifiers: ClinVar variation 536441 (VCV000536441.9), dbSNP rs1553318320, ClinGen allele CA346502469.

ClinVar aggregate classification (germline): Pathogenic. Review status: criteria provided, multiple submitters, no conflicts (2 of 4 stars). 3 submissions from 3 submitters: Pathogenic (3). Last evaluated 2023-01-27.

Conditions:
Hereditary spastic paraplegia 4. Also called: Spastic Paraplegia 4; Familial spastic paraplegia autosomal dominant 2; Spastic paraplegia 4, autosomal dominant. Identifiers: Orphanet 100985, MedGen C1866855, MONDO:0008438, OMIM 182601.

Submissions (3):

Institute of Human Genetics Munich, TUM University Hospital
Classification: Pathogenic for Hereditary spastic paraplegia 4. Last evaluated: 2023-01-27. Review status: criteria provided, single submitter. Criteria: Classification criteria August 2017. Collection method: clinical testing. Allele origin: germline. Inheritance: Autosomal dominant inheritance. Affected: yes. Observed: 1 variant allele.

Labcorp Genetics (formerly Invitae), Labcorp
Classification: Pathogenic for Hereditary spastic paraplegia 4. Last evaluated: 2022-07-06. Review status: criteria provided, single submitter. Criteria: Invitae Variant Classification Sherloc (09022015). Collection method: clinical testing. Allele origin: germline.
Comment: This missense change has been observed in individual(s) with clinical features of SPAST-related conditions (PMID: 30564185; Invitae). In at least one individual the variant was observed to be de novo. This variant is not present in population databases (gnomAD no frequency). This sequence change replaces threonine, which is neutral and polar, with alanine, which is neutral and non-polar, at codon 486 of the SPAST protein (p.Thr486Ala). ClinVar contains an entry for this variant (Variation ID: 536441). For these reasons, this variant has been classified as Pathogenic. Algorithms developed to predict the effect of sequence changes on RNA splicing suggest that this variant may create or strengthen a splice site. Advanced modeling of protein sequence and biophysical properties (such as structural, functional, and spatial information, amino acid conservation, physicochemical variation, residue mobility, and thermodynamic stability) performed at Invitae indicates that this missense variant is expected to disrupt SPAST protein function.

GeneDx
Classification: Pathogenic. Last evaluated: 2022-03-28. Review status: criteria provided, single submitter. Criteria: GeneDx Variant Classification Process June 2021. Collection method: clinical testing. Allele origin: germline. Affected: yes.
Comment: Not observed at significant frequency in large population cohorts (gnomAD); In silico analysis supports that this missense variant has a deleterious effect on protein structure/function; This variant is associated with the following publications: (PMID: 21139634, 26094131, 30564185)

Literature cited by the submitters: PubMed 30564185 (cited by Labcorp Genetics (formerly Invitae), Labcorp).